The following is an entry in ClinVar:

ClinVar aggregate classification (germline): Uncertain significance. Review status: criteria provided, multiple submitters, no conflicts (2 of 4 stars). 2 submissions from 2 submitters: Uncertain significance (2). Last evaluated 2024-12-16.

Conditions:
Autosomal recessive severe congenital neutropenia due to G6PC3 deficiency. Also called: NEUTROPENIA, SEVERE CONGENITAL, 4, AUTOSOMAL RECESSIVE; G6PC3 Deficiency. Identifiers: Orphanet 331176, MedGen C2751630, MONDO:0012930, OMIM 612541.
Inborn genetic diseases. Identifiers: MedGen C0950123, MeSH D030342.

Submissions (2):

Ambry Genetics
Classification: Uncertain significance for Inborn genetic diseases. Last evaluated: 2024-12-16. Review status: criteria provided, single submitter. Criteria: Ambry Variant Classification Scheme 2023. Collection method: clinical testing. Allele origin: germline.
Comment: The p.P303L variant (also known as c.908C>T), located in coding exon 6 of the G6PC3 gene, results from a C to T substitution at nucleotide position 908. The proline at codon 303 is replaced by leucine, an amino acid with similar properties. This amino acid position is conserved. In addition, the in silico prediction for this alteration is inconclusive. Based on the available evidence, the clinical significance of this variant remains unclear.

Labcorp Genetics (formerly Invitae), Labcorp
Classification: Uncertain significance for Autosomal recessive severe congenital neutropenia due to G6PC3 deficiency. Last evaluated: 2024-03-07. Review status: criteria provided, single submitter. Criteria: Invitae Variant Classification Sherloc (09022015). Collection method: clinical testing. Allele origin: germline.
Comment: This sequence change replaces proline, which is neutral and non-polar, with leucine, which is neutral and non-polar, at codon 303 of the G6PC3 protein (p.Pro303Leu). This variant is not present in population databases (gnomAD no frequency). This variant has not been reported in the literature in individuals affected with G6PC3-related conditions. Advanced modeling of protein sequence and biophysical properties (such as structural, functional, and spatial information, amino acid conservation, physicochemical variation, residue mobility, and thermodynamic stability) performed at Invitae indicates that this missense variant is not expected to disrupt G6PC3 protein function with a negative predictive value of 80%. In summary, the available evidence is currently insufficient to determine the role of this variant in disease. Therefore, it has been classified as a Variant of Uncertain Significance.

NM_138387.4(G6PC3):c.908C>T (p.Pro303Leu)

Gene: G6PC3 (glucose-6-phosphatase catalytic subunit 3; plus strand). Cytogenetic location: 17q21.31.
Variant type: single nucleotide variant.
Coding change: c.908C>T on transcript NM_138387.4 (MANE Select); coding-DNA position 908, C replaced by T.
Protein change: p.Pro303Leu; replaces proline 303 with leucine.
Molecular consequence: missense variant. On other transcripts: 3 prime UTR variant (1).
Genome position (GRCh38, 1-based): chr17:44,075,910, C>T. VCF-style: chr17-44075910-C-T. GRCh37 (hg19) VCF-style: chr17-42153278-C-T.
Other names: c.*201C>T (NM_001319945.2); c.563C>T, p.Pro188Leu (NM_001384165.1, NM_001384166.1, NM_001384167.1 and 1 more transcripts); short protein forms P303L, P188L.
Identifiers: ClinVar variation 3097740 (VCV003097740.4), dbSNP rs776556492, ClinGen allele CA399729564.